The following is an entry in ClinVar:

ClinVar aggregate classification (germline): Benign (1 of 4 stars; one submission).

Allele frequency attached by ClinVar (database versions not stated): TOPMed 0.31557; 1000 Genomes Project 0.37580; 1000 Genomes Project 30x 0.37929.
gnomAD v4.1: 45,294 of 150,978 alleles (30%); highest among the groups gnomAD compares: African/African-American, 49%; 8,119 homozygotes.

Submissions (8):

GeneDx
Classification: Benign. Last evaluated: 2018-06-14. Review status: criteria provided, single submitter. Criteria: GeneDx Variant Classification (06012015). Collection method: clinical testing. Allele origin: germline. Affected: yes.
Comment: This variant is considered likely benign or benign based on one or more of the following criteria: it is a conservative change, it occurs at a poorly conserved position in the protein, it is predicted to be benign by multiple in silico algorithms, and/or has population frequency not consistent with disease.

Dr. Peter K. Rogan Lab, Western University
No classification provided (evidence only). Condition: Cholangiocarcinoma. Review status: no classification provided. Collection method: in vitro. Allele origin: not applicable. Functional consequence: skipped exon. Not counted in ClinVar's aggregate classification.

Dr. Peter K. Rogan Lab, Western University
No classification provided (evidence only). Condition: Gastric cancer. Review status: no classification provided. Collection method: in vitro. Allele origin: not applicable. Functional consequence: retained intron. Not counted in ClinVar's aggregate classification.

Dr. Peter K. Rogan Lab, Western University
No classification provided (evidence only). Condition: Gastric cancer. Review status: no classification provided. Collection method: in vitro. Allele origin: not applicable. Functional consequence: retained intron. Not counted in ClinVar's aggregate classification.

Dr. Peter K. Rogan Lab, Western University
No classification provided (evidence only). Condition: Uterine carcinosarcoma. Review status: no classification provided. Collection method: in vitro. Allele origin: not applicable. Functional consequence: retained intron. Not counted in ClinVar's aggregate classification.

Dr. Peter K. Rogan Lab, Western University
No classification provided (evidence only). Condition: Uterine carcinosarcoma. Review status: no classification provided. Collection method: in vitro. Allele origin: not applicable. Functional consequence: retained intron. Not counted in ClinVar's aggregate classification.

Dr. Peter K. Rogan Lab, Western University
No classification provided (evidence only). Condition: Uterine carcinosarcoma. Review status: no classification provided. Collection method: in vitro. Allele origin: not applicable. Functional consequence: retained intron. Not counted in ClinVar's aggregate classification.

Dr. Peter K. Rogan Lab, Western University
No classification provided (evidence only). Condition: Uterine carcinosarcoma. Review status: no classification provided. Collection method: in vitro. Allele origin: not applicable. Functional consequence: skipped exon. Not counted in ClinVar's aggregate classification.

NM_001080449.3(DNA2):c.1416-188A>T

Gene: DNA2 (DNA replication helicase/nuclease 2; minus strand). Cytogenetic location: 10q21.3.
Variant type: single nucleotide variant.
Coding change: c.1416-188A>T on transcript NM_001080449.3 (MANE Select); 188 bases into the intron before coding-DNA position 1416, A replaced by T.
Molecular consequence: intron variant.
Genome position (GRCh38, 1-based): chr10:68,437,429, T>A on the plus strand (A>T on the coding strand, the complement: DNA2 is on the minus strand). VCF-style: chr10-68437429-T-A. GRCh37 (hg19) VCF-style: chr10-70197186-T-A.
Other names: NC_000010.10:g.70197186T>A.
Identifiers: ClinVar variation 669720 (VCV000669720.2), dbSNP rs7098595, ClinGen allele CA13223090.
Genomic context (GRCh38, chr10:68,437,429, plus strand): 5'-CTCACGCCTGTAATCCCAACACTCCAGGAGGCCGAGGCGGGTGGATTACCTGAGGTCAGA[T>A]GTTCAAGACCAGCCTGGCCAACATGGTGAAAACCCTATCTCTACTAAAAAAAAAAAAATA-3'